The following is an entry in ClinVar:

NM_152387.4(KCTD18):c.1169G>C (p.Cys390Ser)

Gene: KCTD18 (potassium channel tetramerization domain containing 18; minus strand). Cytogenetic location: 2q33.1.
Variant type: single nucleotide variant.
Coding change: c.1169G>C on transcript NM_152387.4 (MANE Select); coding-DNA position 1169, G replaced by C.
Protein change: p.Cys390Ser; replaces cysteine 390 with serine.
Molecular consequence: missense variant.
Genome position (GRCh38, 1-based): chr2:200,490,212, C>G on the plus strand (G>C on the coding strand, the complement: KCTD18 is on the minus strand). VCF-style: chr2-200490212-C-G. GRCh37 (hg19) VCF-style: chr2-201354935-C-G.
Other names: c.1169G>C, p.Cys390Ser (NM_001321547.2); c.542G>C, p.Cys181Ser (NM_001321548.2, NM_001321550.2); short protein forms C181S, C390S.
Identifiers: ClinVar variation 3059758 (VCV003059758.2), dbSNP rs3795969, ClinGen allele CA2047484.
Genomic context (GRCh38, chr2:200,490,212, plus strand): 5'-GCTTCGCCGGGAAGCGGCTTGAGGGAGTTGGCCTGCCTCGTGGCCGTGGGGGAGGGCAGG[C>G]AAGGCGCGGTGGCGCACAGCGGAGTCCTCTTCAGCTTTATCACCCGCTGGGGTGTAGGCT-3'
Protein context (NP_689600.2, residues 380-400): KRTPLCATAP[Cys390Ser]LPSPTATRQA

ClinVar aggregate classification (germline): Benign (0 of 4 stars; one submission).

Conditions:
KCTD18-related disorder. Also called: KCTD18-related condition.

Allele frequency attached by ClinVar (database versions not stated): 1000 Genomes Project 0.32588; ESP Exome Variant Server 0.33669; gnomAD 0.33794; TOPMed 0.33952; ExAC 0.36632; gnomAD exomes 0.38596.
gnomAD v4.1: 615,366 of 1,613,828 alleles (38%); highest among the groups gnomAD compares: East Asian, 47%; 119,506 homozygotes.

Submission:

PreventionGenetics, part of Exact Sciences
Classification: Benign for KCTD18-related condition. Last evaluated: 2019-10-17. Review status: no assertion criteria provided. Collection method: clinical testing. Allele origin: germline.
Comment: This variant is classified as benign based on ACMG/AMP sequence variant interpretation guidelines (Richards et al. 2015 PMID: 25741868, with internal and published modifications).